The following is an entry in ClinVar:

NM_000179.3(MSH6):c.736A>C (p.Lys246Gln)

Gene: MSH6 (mutS homolog 6; plus strand). Cytogenetic location: 2p16.3.
Variant type: single nucleotide variant.
Coding change: c.736A>C on transcript NM_000179.3 (MANE Select); coding-DNA position 736, A replaced by C.
Protein change: p.Lys246Gln; replaces lysine 246 with glutamine.
Molecular consequence: missense variant. On other transcripts: 5 prime UTR variant (9), non-coding transcript variant (4), intron variant (1).
Genome position (GRCh38, 1-based): chr2:47,798,719, A>C. VCF-style: chr2-47798719-A-C. GRCh37 (hg19) VCF-style: chr2-48025858-A-C.
Other names: c.346A>C, p.Lys116Gln (NM_001281492.2); c.-171A>C (NM_001281493.2, NM_001281494.2, NM_001406811.1 and 6 more transcripts); c.832A>C, p.Lys278Gln (NM_001406795.1, NM_001406802.1); c.736A>C, p.Lys246Gln (NM_001406796.1, NM_001406798.1, NM_001406800.1 and 4 more transcripts); c.439A>C, p.Lys147Gln (NM_001406797.1, NM_001406801.1, NM_001406805.1 and 10 more transcripts); c.211A>C, p.Lys71Gln (NM_001406799.1, NM_001406806.1, NM_001406807.1); c.658A>C, p.Lys220Gln (NM_001406804.1); c.742A>C, p.Lys248Gln (NM_001406813.1); and 2 more; short protein forms K246Q, K248Q, K147Q, K190Q, K71Q, K116Q, K220Q, K278Q.
Identifiers: ClinVar variation 3572005 (VCV003572005.2).

ClinVar aggregate classification (germline): Uncertain significance. Review status: criteria provided, multiple submitters, no conflicts (2 of 4 stars). 2 submissions from 2 submitters: Uncertain significance (2). Last evaluated 2026-07-07.

Conditions:
Hereditary cancer-predisposing syndrome. Also called: Hereditary neoplastic syndrome; Neoplastic Syndromes, Hereditary; Tumor predisposition; Hereditary Cancer Syndrome. Identifiers: Orphanet 140162, MedGen C0027672, MeSH D009386, MONDO:0015356.

Submissions (2):

Ambry Genetics
Classification: Uncertain significance for Hereditary cancer-predisposing syndrome. Last evaluated: 2026-07-07. Review status: criteria provided, single submitter. Criteria: Ambry Variant Classification Scheme 2023. Collection method: clinical testing. Allele origin: germline.
Comment: The p.K246Q variant (also known as c.736A>C), located in coding exon 4 of the MSH6 gene, results from an A to C substitution at nucleotide position 736. The lysine at codon 246 is replaced by glutamine, an amino acid with similar properties. This amino acid position is conserved. In addition, the in silico prediction for this alteration is inconclusive. Based on the available evidence, the clinical significance of this variant remains unclear.

Quest Diagnostics Nichols Institute San Juan Capistrano
Classification: Uncertain significance. Last evaluated: 2024-08-22. Review status: criteria provided, single submitter. Criteria: Quest Diagnostics criteria. Collection method: clinical testing. Allele origin: unknown.
Comment: The MSH6 c.736A>C (p.Lys246Gln) variant has not been reported in individuals with MSH6-related conditions in the published literature. It also has not been reported in large, multi-ethnic general populations (Genome Aggregation Database). Analysis of this variant using bioinformatics tools for the prediction of the effect of amino acid changes on protein structure and function yielded conflicting predictions that this variant is benign or damaging. Based on the available information, we are unable to determine the clinical significance of this variant.